The following is an entry in ClinVar:

ClinVar aggregate classification (germline): Likely benign. Review status: criteria provided, multiple submitters, no conflicts (2 of 4 stars). 2 submissions from 2 submitters: Likely benign (2). Last evaluated 2025-10-02.

Allele frequency attached by ClinVar (database versions not stated): TOPMed 0.00005; ESP Exome Variant Server 0.00015.
gnomAD v4.1: 55 of 1,613,908 alleles (0.0034%); highest among the groups gnomAD compares: African/African-American, 0.0053%; no homozygotes.

Submissions (2):

Labcorp Genetics (formerly Invitae), Labcorp
Classification: Likely benign. Last evaluated: 2025-10-02. Review status: criteria provided, single submitter. Criteria: Invitae Variant Classification Sherloc (09022015). Collection method: clinical testing. Allele origin: germline.

CeGaT Center for Human Genetics Tuebingen
Classification: Likely benign. Last evaluated: 2025-10-01. Review status: criteria provided, single submitter. Criteria: CeGaT Center For Human Genetics Tuebingen Variant Classification Criteria Version 2. Collection method: clinical testing. Allele origin: germline. Affected: yes. Observed: 1 variant allele.
Comment: EIF2B1: BP4, BP7

NM_001414.4(EIF2B1):c.819C>T (p.Val273=)

Genes: EIF2B1 (eukaryotic translation initiation factor 2B subunit alpha; minus strand), LOC126861664 (CDK7 strongly-dependent group 2 enhancer GRCh37_chr12:124105924-124107123; plus strand). Cytogenetic location: 12q24.31.
Variant type: single nucleotide variant.
Coding change: c.819C>T on transcript NM_001414.4 (MANE Select); coding-DNA position 819, C replaced by T.
Protein change: p.Val273=; no amino-acid change (valine 273 retained).
Molecular consequence: synonymous variant.
Genome position (GRCh38, 1-based): chr12:123,621,855, G>A on the plus strand (C>T on the coding strand, the complement: EIF2B1 is on the minus strand). VCF-style: chr12-123621855-G-A. GRCh37 (hg19) VCF-style: chr12-124106402-G-A.
Identifiers: ClinVar variation 1917279 (VCV001917279.11), dbSNP rs138684204, ClinGen allele CA6859942.
Genomic context (GRCh38, chr12:123,621,855, plus strand): 5'-GGGTGTCAGCACGCCCAGGTCTGTAAACAGCAGAGTGATTAAGGAAGGGGCAGTGTAGTC[G>A]ACCCACGGATGCTCCTCTTTGAGGTCTTGTCCAGTCTGCGCGACCTTGAGAGTGTCTGCC-3'
Protein context (NP_001405.1, residues 263-283): GQDLKEEHPW[Val273=]DYTAPSLITL